The following is an entry in ClinVar:

NM_015972.4(POLR1D):c.56C>T (p.Ala19Val)

Genes: POLR1D (RNA polymerase I and III subunit D; plus strand), LOC147380392 (uncharacterized LOC147380392; plus strand). Cytogenetic location: 13q12.2.
Variant type: single nucleotide variant.
Coding change: c.56C>T on transcript NM_015972.4 (MANE Select); coding-DNA position 56, C replaced by T.
Protein change: p.Ala19Val; replaces alanine 19 with valine.
Molecular consequence: missense variant. On other transcripts: intron variant (2).
Genome position (GRCh38, 1-based): chr13:27,622,904, C>T. VCF-style: chr13-27622904-C-T. GRCh37 (hg19) VCF-style: chr13-28197041-C-T.
Other names: c.-59+1764C>T (NM_001206559.2); c.26+895C>T (NM_152705.3); short protein forms A19V.
Identifiers: ClinVar variation 432758 (VCV000432758.4), dbSNP rs1555271293, ClinGen allele CA387634742.

ClinVar aggregate classification (germline): Uncertain significance (1 of 4 stars; one submission).

Submission:

GeneDx
Classification: Uncertain significance. Last evaluated: 2019-04-26. Review status: criteria provided, single submitter. Criteria: GeneDx Variant Classification Process June 2021. Collection method: clinical testing. Allele origin: germline. Affected: yes.
Comment: Not observed in large population cohorts (Lek et al., 2016); Has not been previously published as pathogenic or benign to our knowledge